The following is an entry in ClinVar:

ClinVar aggregate classification (germline): Uncertain significance (1 of 4 stars; one submission).

Submission:

Women's Health and Genetics/Laboratory Corporation of America, LabCorp
Classification: Uncertain significance. Last evaluated: 2024-11-11. Review status: criteria provided, single submitter. Criteria: LabCorp Variant Classification Summary - May 2015. Collection method: clinical testing. Allele origin: germline.
Comment: Variant summary: ZMYM2 c.3129A>T (p.Lys1043Asn) results in a non-conservative amino acid change in the encoded protein sequence. Four of five in-silico tools predict a damaging effect of the variant on protein function. The frequency data for this variant in gnomAD is considered unreliable, as metrics indicate poor data quality at this position. To our knowledge, no occurrence of c.3129A>T in individuals affected with Neurodevelopmental-Craniofacial Syndrome With Variable Renal And Cardiac Abnormalities and no experimental evidence demonstrating its impact on protein function have been reported. No submitters have cited clinical-significance assessments for this variant to ClinVar. Based on the evidence outlined above, the variant was classified as uncertain significance.

NM_197968.4(ZMYM2):c.3129A>T (p.Lys1043Asn)

Gene: ZMYM2 (zinc finger MYM-type containing 2; plus strand). Cytogenetic location: 13q12.11.
Variant type: single nucleotide variant.
Coding change: c.3129A>T on transcript NM_197968.4 (MANE Select); coding-DNA position 3129, A replaced by T.
Protein change: p.Lys1043Asn; replaces lysine 1043 with asparagine.
Molecular consequence: missense variant. On other transcripts: non-coding transcript variant (1).
Genome position (GRCh38, 1-based): chr13:20,064,542, A>T. VCF-style: chr13-20064542-A-T. GRCh37 (hg19) VCF-style: chr13-20638682-A-T.
Other names: c.3129A>T, p.Lys1043Asn (NM_001190964.4, NM_001190965.4, NM_001353157.2 and 5 more transcripts); c.2934A>T, p.Lys978Asn (NM_001353161.3); c.2868A>T, p.Lys956Asn (NM_001353163.2); short protein forms K1043N, K956N, K978N.
Identifiers: ClinVar variation 3629702 (VCV003629702.1).